The following is an entry in ClinVar:

NM_024529.5(CDC73):c.812C>G (p.Pro271Arg)

Gene: CDC73 (cell division cycle 73; plus strand). Cytogenetic location: 1q31.2.
Variant type: single nucleotide variant.
Coding change: c.812C>G on transcript NM_024529.5 (MANE Select); coding-DNA position 812, C replaced by G.
Protein change: p.Pro271Arg; replaces proline 271 with arginine.
Molecular consequence: missense variant.
Genome position (GRCh38, 1-based): chr1:193,147,949, C>G. VCF-style: chr1-193147949-C-G. GRCh37 (hg19) VCF-style: chr1-193117079-C-G.
Other names: short protein forms P271R.
Identifiers: ClinVar variation 1718420 (VCV001718420.6), dbSNP rs2527336989, ClinGen allele CA343964194.

ClinVar aggregate classification (germline): Uncertain significance (1 of 4 stars; one submission).

Conditions:
Parathyroid carcinoma (PRTC). Also called: Parathyroid gland carcinoma; CDC73-Related Parathyroid Carcinoma. Identifiers: Orphanet 143, MedGen C0687150, MONDO:0012004, OMIM 608266, HP:0006780.

Submission:

Labcorp Genetics (formerly Invitae), Labcorp
Classification: Uncertain significance for Parathyroid carcinoma. Last evaluated: 2024-12-23. Review status: criteria provided, single submitter. Criteria: Invitae Variant Classification Sherloc (09022015). Collection method: clinical testing. Allele origin: germline.
Comment: This sequence change replaces proline, which is neutral and non-polar, with arginine, which is basic and polar, at codon 271 of the CDC73 protein (p.Pro271Arg). This variant is not present in population databases (gnomAD no frequency). This variant has not been reported in the literature in individuals affected with CDC73-related conditions. ClinVar contains an entry for this variant (Variation ID: 1718420). Invitae Evidence Modeling of protein sequence and biophysical properties (such as structural, functional, and spatial information, amino acid conservation, physicochemical variation, residue mobility, and thermodynamic stability) indicates that this missense variant is not expected to disrupt CDC73 protein function with a negative predictive value of 80%. In summary, the available evidence is currently insufficient to determine the role of this variant in disease. Therefore, it has been classified as a Variant of Uncertain Significance.